The following is an entry in ClinVar:

ClinVar aggregate classification (germline): Uncertain significance (1 of 4 stars; one submission).

Submission:

Labcorp Genetics (formerly Invitae), Labcorp
Classification: Uncertain significance. Last evaluated: 2025-06-03. Review status: criteria provided, single submitter. Criteria: Invitae Variant Classification Sherloc (09022015). Collection method: clinical testing. Allele origin: germline.
Comment: This sequence change replaces lysine, which is basic and polar, with arginine, which is basic and polar, at codon 120 of the LYN protein (p.Lys120Arg). This variant is not present in population databases (gnomAD no frequency). This variant has not been reported in the literature in individuals affected with LYN-related conditions. An algorithm developed to predict the effect of missense changes on protein structure and function (PolyPhen-2) suggests that this variant is likely to be tolerated. In summary, the available evidence is currently insufficient to determine the role of this variant in disease. Therefore, it has been classified as a Variant of Uncertain Significance.

NM_002350.4(LYN):c.359A>G (p.Lys120Arg)

Gene: LYN (LYN proto-oncogene, Src family tyrosine kinase; plus strand). Cytogenetic location: 8q12.1.
Variant type: single nucleotide variant.
Coding change: c.359A>G on transcript NM_002350.4 (MANE Select); coding-DNA position 359, A replaced by G.
Protein change: p.Lys120Arg; replaces lysine 120 with arginine.
Molecular consequence: missense variant.
Genome position (GRCh38, 1-based): chr8:55,950,533, A>G. VCF-style: chr8-55950533-A-G. GRCh37 (hg19) VCF-style: chr8-56863092-A-G.
Other names: c.296A>G, p.Lys99Arg (NM_001111097.3); short protein forms K120R, K99R.
Identifiers: ClinVar variation 4803911 (VCV004803911.1).
Genomic context (GRCh38, chr8:55,950,533, plus strand): 5'-GGAAAGCAAAGTCCCTTTTAACAAAAAAAGAAGGCTTCATCCCCAGCAACTATGTGGCCA[A>G]ACTCAACACCTTAGAAACAGAAGAGTGAGTCCTCATGTGTTGTCATCTTGGTGGCTTTAT-3'
Protein context (NP_002341.1, residues 110-130): EGFIPSNYVA[Lys120Arg]LNTLETEEWF